The following is an entry in ClinVar:

NM_001130987.2(DYSF):c.298G>A (p.Ala100Thr)

Gene: DYSF (dysferlin; plus strand). Cytogenetic location: 2p13.2.
Variant type: single nucleotide variant.
Coding change: c.298G>A on transcript NM_001130987.2 (MANE Select); coding-DNA position 298, G replaced by A.
Protein change: p.Ala100Thr; replaces alanine 100 with threonine.
Molecular consequence: missense variant.
Genome position (GRCh38, 1-based): chr2:71,503,272, G>A. VCF-style: chr2-71503272-G-A. GRCh37 (hg19) VCF-style: chr2-71730402-G-A.
Other names: c.295G>A (NM_003494.3); c.298G>A, p.Ala100Thr (NM_001130455.2, NM_001130982.2, NM_001130983.2 and 3 more transcripts); c.295G>A, p.Ala99Thr (NM_001130976.2, NM_001130977.2, NM_001130978.2 and 4 more transcripts); short protein forms A100T, A99T.
Identifiers: ClinVar variation 1952837 (VCV001952837.6), dbSNP rs751980650, ClinGen allele CA49748021.

ClinVar aggregate classification (germline): Uncertain significance. Review status: criteria provided, multiple submitters, no conflicts (2 of 4 stars). 3 submissions from 3 submitters: Uncertain significance (3). Last evaluated 2024-02-02.

Conditions:
Neuromuscular disease caused by qualitative or quantitative defects of dysferlin. Also called: Dysferlinopathy; Qualitative or quantitative defects of dysferlin. Identifiers: Orphanet 207073, MedGen C2931687, MONDO:0016145.
Inborn genetic diseases. Identifiers: MedGen C0950123, MeSH D030342.

Allele frequency attached by ClinVar (database versions not stated): gnomAD 0.00003.
gnomAD v4.1: 24 of 1,613,938 alleles (0.0015%); highest among the groups gnomAD compares: Admixed American, 0.0083%; no homozygotes.

Submissions (3):

Ambry Genetics
Classification: Uncertain significance for Inborn genetic diseases. Last evaluated: 2024-02-02. Review status: criteria provided, single submitter. Criteria: Ambry Variant Classification Scheme 2023. Collection method: clinical testing. Allele origin: germline.

Labcorp Genetics (formerly Invitae), Labcorp
Classification: Uncertain significance for Neuromuscular disease caused by qualitative or quantitative defects of dysferlin. Last evaluated: 2022-04-29. Review status: criteria provided, single submitter. Criteria: Invitae Variant Classification Sherloc (09022015). Collection method: clinical testing. Allele origin: germline.
Comment: This sequence change replaces alanine, which is neutral and non-polar, with threonine, which is neutral and polar, at codon 99 of the DYSF protein (p.Ala99Thr). This variant is present in population databases (no rsID available, gnomAD 0.004%). This variant has not been reported in the literature in individuals affected with DYSF-related conditions. Advanced modeling of protein sequence and biophysical properties (such as structural, functional, and spatial information, amino acid conservation, physicochemical variation, residue mobility, and thermodynamic stability) performed at Invitae indicates that this missense variant is not expected to disrupt DYSF protein function. In summary, the available evidence is currently insufficient to determine the role of this variant in disease. Therefore, it has been classified as a Variant of Uncertain Significance.

Revvity Omics, Revvity
Classification: Uncertain significance. Last evaluated: 2020-04-03. Review status: criteria provided, single submitter. Criteria: ACMG Guidelines, 2015. Collection method: clinical testing. Allele origin: germline.